The following is an entry in ClinVar:

ClinVar aggregate classification (germline): Uncertain significance. Review status: criteria provided, multiple submitters, no conflicts (2 of 4 stars). 2 submissions from 2 submitters: Uncertain significance (2). Last evaluated 2026-03-16.

Submissions (2):

GeneDx
Classification: Uncertain significance. Last evaluated: 2026-03-16. Review status: criteria provided, single submitter. Criteria: GeneDx Variant Classification Process June 2021. Collection method: clinical testing. Allele origin: germline.
Comment: Not observed at significant frequency in large population cohorts (gnomAD); In silico analysis supports that this missense variant has a deleterious effect on protein structure/function; Has not been previously published as pathogenic or benign to our knowledge

Labcorp Genetics (formerly Invitae), Labcorp
Classification: Uncertain significance. Last evaluated: 2025-01-22. Review status: criteria provided, single submitter. Criteria: Invitae Variant Classification Sherloc (09022015). Collection method: clinical testing. Allele origin: germline.
Comment: This sequence change replaces alanine, which is neutral and non-polar, with glycine, which is neutral and non-polar, at codon 1291 of the SCN3A protein (p.Ala1291Gly). This variant is not present in population databases (gnomAD no frequency). This variant has not been reported in the literature in individuals affected with SCN3A-related conditions. Invitae Evidence Modeling of protein sequence and biophysical properties (such as structural, functional, and spatial information, amino acid conservation, physicochemical variation, residue mobility, and thermodynamic stability) indicates that this missense variant is not expected to disrupt SCN3A protein function with a negative predictive value of 95%. In summary, the available evidence is currently insufficient to determine the role of this variant in disease. Therefore, it has been classified as a Variant of Uncertain Significance.

NM_006922.4(SCN3A):c.3872C>G (p.Ala1291Gly)

Gene: SCN3A (sodium voltage-gated channel alpha subunit 3; minus strand). Cytogenetic location: 2q24.3.
Variant type: single nucleotide variant.
Coding change: c.3872C>G on transcript NM_006922.4 (MANE Select); coding-DNA position 3872, C replaced by G.
Protein change: p.Ala1291Gly; replaces alanine 1291 with glycine.
Molecular consequence: missense variant.
Genome position (GRCh38, 1-based): chr2:165,100,396, G>C on the plus strand (C>G on the coding strand, the complement: SCN3A is on the minus strand). VCF-style: chr2-165100396-G-C. GRCh37 (hg19) VCF-style: chr2-165956906-G-C.
Other names: c.3872C>G (NM_006922.3); c.3725C>G, p.Ala1242Gly (NM_001081676.2, NM_001081677.2); short protein forms A1242G, A1291G.
Identifiers: ClinVar variation 3617493 (VCV003617493.4).